The following is an entry in ClinVar:

NM_002907.4(RECQL):c.1000T>G (p.Leu334Val)

Gene: RECQL (RecQ like helicase; minus strand). Cytogenetic location: 12p12.1.
Variant type: single nucleotide variant.
Coding change: c.1000T>G on transcript NM_002907.4 (MANE Select); coding-DNA position 1000, T replaced by G.
Protein change: p.Leu334Val; replaces leucine 334 with valine.
Molecular consequence: missense variant.
Genome position (GRCh38, 1-based): chr12:21,475,774, A>C on the plus strand (T>G on the coding strand, the complement: RECQL is on the minus strand). VCF-style: chr12-21475774-A-C. GRCh37 (hg19) VCF-style: chr12-21628708-A-C.
Other names: c.1000T>G, p.Leu334Val (NM_032941.3); short protein forms L334V.
Identifiers: ClinVar variation 3313511 (VCV003313511.1).

ClinVar aggregate classification (germline): Uncertain significance (1 of 4 stars; one submission).

Submission:

Ambry Genetics
Classification: Uncertain significance. Last evaluated: 2024-04-28. Review status: criteria provided, single submitter. Criteria: Ambry Variant Classification Scheme 2023. Collection method: clinical testing. Allele origin: germline.
Comment: The p.L334V variant (also known as c.1000T>G), located in coding exon 8 of the RECQL gene, results from a T to G substitution at nucleotide position 1000. The leucine at codon 334 is replaced by valine, an amino acid with highly similar properties. This amino acid position is conserved. In addition, this alteration is predicted to be deleterious by in silico analysis. Based on the available evidence, the clinical significance of this variant remains unclear.